The following is an entry in ClinVar:

NM_004603.4(STX1A):c.150C>T (p.Asn50=)

Gene: STX1A (syntaxin 1A; minus strand). Cytogenetic location: 7q11.23.
Variant type: single nucleotide variant.
Coding change: c.150C>T on transcript NM_004603.4 (MANE Select); coding-DNA position 150, C replaced by T.
Protein change: p.Asn50=; no amino-acid change (asparagine 50 retained).
Molecular consequence: synonymous variant.
Genome position (GRCh38, 1-based): chr7:73,708,647, G>A on the plus strand (C>T on the coding strand, the complement: STX1A is on the minus strand). VCF-style: chr7-73708647-G-A. GRCh37 (hg19) VCF-style: chr7-73122977-G-A.
Other names: c.150C>T, p.Asn50= (NM_001165903.2).
Identifiers: ClinVar variation 3056826 (VCV003056826.2), dbSNP rs2229854, ClinGen allele CA4290830.

ClinVar aggregate classification (germline): Benign (0 of 4 stars; one submission).

Conditions:
STX1A-related disorder. Also called: STX1A-related condition.

Allele frequency attached by ClinVar (database versions not stated): 1000 Genomes Project 0.06689; 1000 Genomes Project 30x 0.06808; TOPMed 0.08881; ESP Exome Variant Server 0.09173.
gnomAD v4.1: 138,560 of 1,613,994 alleles (8.6%); highest among the groups gnomAD compares: Middle Eastern, 10%; 6,319 homozygotes.

Submission:

PreventionGenetics, part of Exact Sciences
Classification: Benign for STX1A-related condition. Last evaluated: 2019-12-09. Review status: no assertion criteria provided. Collection method: clinical testing. Allele origin: germline.
Comment: This variant is classified as benign based on ACMG/AMP sequence variant interpretation guidelines (Richards et al. 2015 PMID: 25741868, with internal and published modifications).